The following is an entry in ClinVar:

ClinVar aggregate classification (germline): Likely pathogenic (1 of 4 stars; one submission).

Conditions:
PCDH19-related disorder. Also called: PCDH19-related condition.

Submission:

PreventionGenetics, part of Exact Sciences
Classification: Likely pathogenic for PCDH19-related condition. Last evaluated: 2026-05-06. Review status: criteria provided, single submitter. Criteria: ACMG Guidelines, 2015. Collection method: clinical testing. Allele origin: germline.
Comment: The PCDH19 c.1344C>G variant is predicted to result in the amino acid substitution p.Asp448Glu. To our knowledge, this variant has not been reported in the literature or in a large population database (gnomAD), indicating this variant is rare. A different sequence variant (c.1344C>A) resulting in the same amino acid substitution has been reported as de novo in a patient with seizures and developmental delay (Miao et al. 2018. PubMed ID: 30182498). Alternate amino acid substitutions (Asn, His, Tyr) at this position have also been reported as pathogenic (Table S1 & S2, Shibata et al. 2021. PubMed ID: 33262389; Smith et al. 2018. PubMed ID: 29377098; Table S2, Truty et al. 2019. PubMed ID: 31440721). This variant is interpreted as likely pathogenic.

NM_001184880.2(PCDH19):c.1344C>G (p.Asp448Glu)

Gene: PCDH19 (protocadherin 19; minus strand). Cytogenetic location: Xq22.1.
Variant type: single nucleotide variant.
Coding change: c.1344C>G on transcript NM_001184880.2 (MANE Select); coding-DNA position 1344, C replaced by G.
Protein change: p.Asp448Glu; replaces aspartic acid 448 with glutamic acid.
Molecular consequence: missense variant.
Genome position (GRCh38, 1-based): chrX:100,407,254, G>C on the plus strand (C>G on the coding strand, the complement: PCDH19 is on the minus strand). VCF-style: chrX-100407254-G-C. GRCh37 (hg19) VCF-style: chrX-99662252-G-C.
Other names: c.1344C>G, p.Asp448Glu (NM_001105243.2, NM_020766.3); short protein forms D448E.
Identifiers: ClinVar variation 5000418 (VCV005000418.1).
Genomic context (GRCh38, chrX:100,407,254, plus strand): 5'-AGGCGTGTTGTTCTCCTGCACAATGACCTGGTAGTAGGGCTTGGAAAAGTGCGGGTGGTT[G>C]TCATTTTCGTCAGTGATGAGCACGGTAAAGGACTTGGCACTCTGCAGCATGGGCACGCCG-3'
Protein context (NP_001171809.1, residues 438-458): SFTVLITDEN[Asp448Glu]NHPHFSKPYY